The following is an entry in ClinVar:

ClinVar aggregate classification (germline): Uncertain significance (1 of 4 stars; one submission).

Conditions:
Primary ciliary dyskinesia 30. Also called: CILIARY DYSKINESIA, PRIMARY, 30, WITH OR WITHOUT SITUS INVERSUS. Identifiers: Orphanet 244, MedGen C4015016, MONDO:0014465, OMIM 616037.

Allele frequency attached by ClinVar (database versions not stated): ExAC 0.00002; TOPMed 0.00002; gnomAD 0.00003.
gnomAD v4.1: 28 of 1,609,524 alleles (0.0017%); highest among the groups gnomAD compares: Non-Finnish European, 0.0022%; no homozygotes.

Submission:

Labcorp Genetics (formerly Invitae), Labcorp
Classification: Uncertain significance for Primary ciliary dyskinesia 30. Last evaluated: 2022-07-19. Review status: criteria provided, single submitter. Criteria: Invitae Variant Classification Sherloc (09022015). Collection method: clinical testing. Allele origin: germline.
Comment: In summary, the available evidence is currently insufficient to determine the role of this variant in disease. Therefore, it has been classified as a Variant of Uncertain Significance. Algorithms developed to predict the effect of missense changes on protein structure and function are either unavailable or do not agree on the potential impact of this missense change (SIFT: "Deleterious"; PolyPhen-2: "Possibly Damaging"; Align-GVGD: "Class C0"). ClinVar contains an entry for this variant (Variation ID: 1682769). This variant has not been reported in the literature in individuals affected with CCDC151-related conditions. This variant is present in population databases (rs773225513, gnomAD 0.004%). This sequence change replaces threonine, which is neutral and polar, with methionine, which is neutral and non-polar, at codon 371 of the CCDC151 protein (p.Thr371Met).

NM_145045.5(ODAD3):c.1112C>T (p.Thr371Met)

Gene: ODAD3 (outer dynein arm docking complex subunit 3; minus strand). Cytogenetic location: 19p13.2.
Variant type: single nucleotide variant.
Coding change: c.1112C>T on transcript NM_145045.5 (MANE Select); coding-DNA position 1112, C replaced by T.
Protein change: p.Thr371Met; replaces threonine 371 with methionine.
Molecular consequence: missense variant.
Genome position (GRCh38, 1-based): chr19:11,423,881, G>A on the plus strand (C>T on the coding strand, the complement: ODAD3 is on the minus strand). VCF-style: chr19-11423881-G-A. GRCh37 (hg19) VCF-style: chr19-11534550-G-A.
Other names: c.950C>T, p.Thr317Met (NM_001302453.1); c.932C>T, p.Thr311Met (NM_001302454.2); short protein forms T311M, T317M, T371M.
Identifiers: ClinVar variation 1682769 (VCV001682769.6), dbSNP rs773225513, ClinGen allele CA9212139.